The following is an entry in ClinVar:

NM_000064.4(C3):c.3765G>C (p.Trp1255Cys)

Gene: C3 (complement C3; minus strand). Cytogenetic location: 19p13.3.
Variant type: single nucleotide variant.
Coding change: c.3765G>C on transcript NM_000064.4 (MANE Select); coding-DNA position 3765, G replaced by C.
Protein change: p.Trp1255Cys; replaces tryptophan 1255 with cysteine.
Molecular consequence: missense variant.
Genome position (GRCh38, 1-based): chr19:6,686,169, C>G on the plus strand (G>C on the coding strand, the complement: C3 is on the minus strand). VCF-style: chr19-6686169-C-G. GRCh37 (hg19) VCF-style: chr19-6686180-C-G.
Other names: short protein forms W1255C.
Identifiers: ClinVar variation 1310853 (VCV001310853.5), dbSNP rs371629277, ClinGen allele CA9128641.
Genomic context (GRCh38, chr19:6,686,169, plus strand): 5'-TGTGGGCCCACTTGCCTGGGTAGAGCCATAGCCACCACCGTAGTATCTCTGTTCATTGAG[C>G]CAACGCACGACGGGAGGCACAAAGTCAAAGTCTTTTAGCTGCAGTAGGGCCAAGAGGGCA-3'
Protein context (NP_000055.2, residues 1245-1265): DFDFVPPVVR[Trp1255Cys]LNEQRYYGGG

ClinVar aggregate classification (germline): Uncertain significance. Review status: criteria provided, multiple submitters, no conflicts (2 of 4 stars). 2 submissions from 2 submitters: Uncertain significance (2). Last evaluated 2023-04-20.

Allele frequency attached by ClinVar (database versions not stated): gnomAD exomes below 0.00001; ExAC 0.00001; gnomAD 0.00001; TOPMed 0.00001; ESP Exome Variant Server 0.00008.

Submissions (2):

Labcorp Genetics (formerly Invitae), Labcorp
Classification: Uncertain significance. Last evaluated: 2023-04-20. Review status: criteria provided, single submitter. Criteria: Invitae Variant Classification Sherloc (09022015). Collection method: clinical testing. Allele origin: germline.
Comment: In summary, the available evidence is currently insufficient to determine the role of this variant in disease. Therefore, it has been classified as a Variant of Uncertain Significance. Advanced modeling of protein sequence and biophysical properties (such as structural, functional, and spatial information, amino acid conservation, physicochemical variation, residue mobility, and thermodynamic stability) performed at Invitae indicates that this missense variant is expected to disrupt C3 protein function. ClinVar contains an entry for this variant (Variation ID: 1310853). This variant has not been reported in the literature in individuals affected with C3-related conditions. This variant is present in population databases (rs371629277, gnomAD 0.007%). This sequence change replaces tryptophan, which is neutral and slightly polar, with cysteine, which is neutral and slightly polar, at codon 1255 of the C3 protein (p.Trp1255Cys).

GeneDx
Classification: Uncertain significance. Last evaluated: 2019-11-30. Review status: criteria provided, single submitter. Criteria: GeneDx Variant Classification Process June 2021. Collection method: clinical testing. Allele origin: germline. Affected: yes.
Comment: Not observed at a significant frequency in large population cohorts (Lek et al., 2016); In silico analysis, which includes protein predictors and evolutionary conservation, supports a deleterious effect; Observed in an individual with congenital heart disease, however limited clinical information was provided (Russell et al., 2019); This variant is associated with the following publications: (PMID: 31453292)